The following is an entry in ClinVar:

NM_022464.5(SIL1):c.1007T>C (p.Leu336Pro)

Gene: SIL1 (SIL1 nucleotide exchange factor; minus strand). Cytogenetic location: 5q31.2.
Variant type: single nucleotide variant.
Coding change: c.1007T>C on transcript NM_022464.5 (MANE Select); coding-DNA position 1007, T replaced by C.
Protein change: p.Leu336Pro; replaces leucine 336 with proline.
Molecular consequence: missense variant.
Genome position (GRCh38, 1-based): chr5:138,951,193, A>G on the plus strand (T>C on the coding strand, the complement: SIL1 is on the minus strand). VCF-style: chr5-138951193-A-G. GRCh37 (hg19) VCF-style: chr5-138286882-A-G.
Other names: c.1007T>C, p.Leu336Pro (NM_001037633.2); short protein forms L336P.
Identifiers: ClinVar variation 2055616 (VCV002055616.1), dbSNP rs794727978, ClinGen allele CA361137486.

ClinVar aggregate classification (germline): Uncertain significance (1 of 4 stars; one submission).

Conditions:
Marinesco-Sjögren syndrome (MSS). Also called: Marinesco-SjÃ¶gren syndrome; Marinesco-Sjogren Syndrome. Identifiers: Orphanet 559, MedGen C0024814, MONDO:0009567, OMIM 248800.

Allele frequency attached by ClinVar (database versions not stated): gnomAD exomes below 0.00001.
gnomAD v4.1: 2 of 1,611,668 alleles (0.00012%); highest among the groups gnomAD compares: Admixed American, 0.0033%; no homozygotes.

Submission:

Labcorp Genetics (formerly Invitae), Labcorp
Classification: Uncertain significance for Marinesco-Sjögren syndrome. Last evaluated: 2022-02-11. Review status: criteria provided, single submitter. Criteria: Invitae Variant Classification Sherloc (09022015). Collection method: clinical testing. Allele origin: germline.
Comment: This sequence change replaces leucine, which is neutral and non-polar, with proline, which is neutral and non-polar, at codon 336 of the SIL1 protein (p.Leu336Pro). This variant is present in population databases (no rsID available, gnomAD 0.003%). This variant has not been reported in the literature in individuals affected with SIL1-related conditions. Algorithms developed to predict the effect of missense changes on protein structure and function (SIFT, PolyPhen-2, Align-GVGD) all suggest that this variant is likely to be disruptive. In summary, the available evidence is currently insufficient to determine the role of this variant in disease. Therefore, it has been classified as a Variant of Uncertain Significance.